The following is an entry in ClinVar:

ClinVar aggregate classification (germline): Likely pathogenic. Review status: criteria provided, multiple submitters, no conflicts (2 of 4 stars). 2 submissions from 2 submitters: Likely pathogenic (2). Last evaluated 2024-10-28.

Conditions:
Dilated cardiomyopathy 1G (CMD1G). Identifiers: Orphanet 154, MedGen C1858763, MONDO:0011400, OMIM 604145.
Autosomal recessive limb-girdle muscular dystrophy type 2J (LGMDR10). Also called: Limb-girdle muscular dystrophy, type 2J; MUSCULAR DYSTROPHY, LIMB-GIRDLE, AUTOSOMAL RECESSIVE 10. Identifiers: Orphanet 140922, MedGen C1837342, MONDO:0012127, OMIM 608807.

Submissions (2):

Victorian Clinical Genetics Services, Murdoch Childrens Research Institute
Classification: Likely pathogenic for Dilated cardiomyopathy 1G. Last evaluated: 2024-10-28. Review status: criteria provided, single submitter. Criteria: ACMG Guidelines, 2015. Collection method: clinical testing. Allele origin: germline. Affected: yes.
Comment: This variant is classified as Likely pathogenic. Evidence in support of pathogenic classification: Variant is predicted to cause nonsense-mediated decay (NMD) and loss of protein (premature termination codon is located at least 54 nucleotides upstream of the final exon-exon junction); Variant is absent from gnomAD (v2, v3 and v4); This variant has limited previous evidence of pathogenicity in an unrelated individual(s). This variant has been classified as likely pathogenic by a clinical laboratory in ClinVar; Other NMD-predicted variants comparable to the one identified in this case have strong previous evidence for pathogenicity (ClinVar). Additional information: This variant is heterozygous; This gene is associated with both recessive and dominant disease (OMIM); No published segregation evidence has been identified for this variant; No published functional evidence has been identified for this variant; Variant is located in the annotated A-band and the exon has a PSI score of 100% (PMID: 25589632); Loss of function is a known mechanism of disease in this gene. In addition, dominant negative is also a suggested mechanism. (PMID: 25589632); The condition associated with this gene has incomplete penetrance. Variants in this gene that result in a premature termination codon (PTC) are known to have reduced penetrance in DCM (PMID: 25589632); Inheritance information for this variant is not currently available in this individual.

Labcorp Genetics (formerly Invitae), Labcorp
Classification: Likely pathogenic for Dilated cardiomyopathy 1G; Autosomal recessive limb-girdle muscular dystrophy type 2J. Last evaluated: 2023-07-31. Review status: criteria provided, single submitter. Criteria: Invitae Variant Classification Sherloc (09022015). Collection method: clinical testing. Allele origin: germline.
Comment: This sequence change creates a premature translational stop signal (p.Trp29781*) in the TTN gene. While this is not anticipated to result in nonsense mediated decay, it is expected to create a truncated TTN protein. This variant is not present in population databases (gnomAD no frequency). This variant has not been reported in the literature in individuals affected with TTN-related conditions. This variant is located in the A band of TTN (PMID: 25589632). Truncating variants in this region are significantly overrepresented in patients affected with dilated cardiomyopathy (PMID: 25589632). Truncating variants in this region have also been reported in individuals affected with autosomal recessive centronuclear myopathy (PMID: 23975875). In summary, the currently available evidence indicates that the variant is pathogenic, but additional data are needed to prove that conclusively. Therefore, this variant has been classified as Likely Pathogenic.

Literature cited by the submitters: PubMed 25589632 (cited by Victorian Clinical Genetics Services, Murdoch Childrens Research Institute and Labcorp Genetics (formerly Invitae), Labcorp); PubMed 23975875 (cited by Labcorp Genetics (formerly Invitae), Labcorp).

NM_001267550.2(TTN):c.89342G>A (p.Trp29781Ter)

Genes: TTN (titin; minus strand), TTN-AS1 (TTN antisense RNA 1; plus strand). Cytogenetic location: 2q31.2.
Variant type: single nucleotide variant.
Coding change: c.89342G>A on transcript NM_001267550.2 (MANE Select); coding-DNA position 89342, G replaced by A.
Protein change: p.Trp29781Ter; replaces tryptophan 29781 with a stop codon.
Molecular consequence: nonsense.
Genome position (GRCh38, 1-based): chr2:178,553,663, C>T on the plus strand (G>A on the coding strand, the complement: TTN is on the minus strand). VCF-style: chr2-178553663-C-T. GRCh37 (hg19) VCF-style: chr2-179418390-C-T.
Other names: c.84419G>A, p.Trp28140Ter (NM_001256850.1); c.62147G>A, p.Trp20716Ter (NM_003319.4); c.81638G>A, p.Trp27213Ter (NM_133378.4); c.62522G>A, p.Trp20841Ter (NM_133432.3); c.62723G>A, p.Trp20908Ter (NM_133437.4); short protein forms W20908*, W28140*, W29781*, W27213*, W20716*, W20841*.
Identifiers: ClinVar variation 2935944 (VCV002935944.5), dbSNP rs2469336053, ClinGen allele CA349519146.
Genomic context (GRCh38, chr2:178,553,663, plus strand): 5'-TTCAGGTTGGATACCACATATTCTGTAGTTCTGACCTCTCCTTTGGTAGAGACAGTAGTC[C>T]ATTCCTCTTCCTCTCCTTGTCTTATCTCGACAACATACCCAGTAACAGCACTGCCCCCAT-3'